The following is an entry in ClinVar:

NM_000424.4(KRT5):c.1409A>G (p.Tyr470Cys)

Genes: KRT5 (keratin 5; minus strand), LOC126861525 (BRD4-independent group 4 enhancer GRCh37_chr12:52909857-52911056; plus strand). Cytogenetic location: 12q13.13.
Variant type: single nucleotide variant.
Coding change: c.1409A>G on transcript NM_000424.4 (MANE Select); coding-DNA position 1409, A replaced by G.
Protein change: p.Tyr470Cys; replaces tyrosine 470 with cysteine.
Molecular consequence: missense variant.
Genome position (GRCh38, 1-based): chr12:52,516,667, T>C on the plus strand (A>G on the coding strand, the complement: KRT5 is on the minus strand). VCF-style: chr12-52516667-T-C. GRCh37 (hg19) VCF-style: chr12-52910451-T-C.
Other names: short protein forms Y470C.
Identifiers: ClinVar variation 3367111 (VCV003367111.1).

ClinVar aggregate classification (germline): Likely pathogenic (1 of 4 stars; one submission).

Conditions:
Epidermolysis bullosa simplex 2B, generalized intermediate (EBS2B). Also called: Epidermolysis bullosa simplex 2B, Koebner type. Identifiers: MedGen C5562009, MONDO:0030525, OMIM 619588.

Submission:

Neuberg Centre For Genomic Medicine, NCGM
Classification: Likely pathogenic for Epidermolysis bullosa simplex 2B, generalized intermediate. Last evaluated: 2023-05-20. Review status: criteria provided, single submitter. Criteria: ACMG Guidelines, 2015. Collection method: clinical testing. Allele origin: germline. Inheritance: Autosomal dominant inheritance. Affected: yes.
Comment: The observed missense variant c.1409A>G(p.Tyr470Cys) in KRT5 gene has not been reported previously as a pathogenic variant nor as a benign variant, to our knowledge. A different amino acid change c.1408T>C (p.Tyr470His) is submitted to ClinVar as a known pathogenic variant. The c.1409A>G variant is absent in gnomAD Exomes.The amino acid Tyrosine at position 470 is changed to a Cysteine changing protein sequence and it might alter its composition and physico-chemical properties. Multiple lines of computational evidence (Polyphen-damaging, SIFT-damaging and Mutation Taster-disease causing) predict a damaging effect on protein structure and function for this variant. The reference amino acid p.Tyr470Cys in KRT5 is predicted as conserved by GERP++ and PhyloP across 100 vertebrates. For these reasons, this variant has been classified as Likely Pathogenic.